The following is an entry in ClinVar:

ClinVar aggregate classification (germline): Likely benign (1 of 4 stars; one submission).

Submission:

GeneDx
Classification: Likely benign. Last evaluated: 2016-11-18. Review status: criteria provided, single submitter. Criteria: GeneDx Variant Classification (06012015). Collection method: clinical testing. Allele origin: germline. Affected: yes.
Comment: This variant is considered likely benign or benign based on one or more of the following criteria: it is a conservative change, it occurs at a poorly conserved position in the protein, it is predicted to be benign by multiple in silico algorithms, and/or has population frequency not consistent with disease.

NM_004130.4(GYG1):c.-40del

Genes: GYG1 (glycogenin 1; plus strand), LOC129937737 (ATAC-STARR-seq lymphoblastoid silent region 14802; plus strand). Cytogenetic location: 3q24.
Variant type: Deletion.
Coding change: c.-40del on transcript NM_004130.4 (MANE Select); 40 bases upstream of the start codon, one base deleted (A; older notation c.-40delA).
Molecular consequence: 5 prime UTR variant.
Genome position (GRCh38, 1-based): chr3:148,991,601, A deleted; the last of 2 consecutive A bases (chr3:148,991,600-148,991,601); deleting either gives the same sequence. VCF-style (leftmost placement, unchanged base first): chr3-148991599-CA-C. GRCh37 (hg19) VCF-style: chr3-148709386-CA-C.
Other names: c.-40del (NM_001184720.2, NM_001184721.2); c.-40delA (NM_004130.3).
Identifiers: ClinVar variation 419783 (VCV000419783.1), dbSNP rs770360846, ClinGen allele CA2658398.